The following is an entry in ClinVar:

NM_000275.3(OCA2):c.1436del (p.Gly479fs)

Gene: OCA2 (OCA2 melanosomal transmembrane protein; minus strand). Cytogenetic location: 15q13.1.
Variant type: Deletion.
Coding change: c.1436del on transcript NM_000275.3 (MANE Select); coding-DNA position 1436, one base deleted (G; older notation c.1436delG).
Protein change: p.Gly479fs; shifts the reading frame from glycine 479.
Molecular consequence: frameshift variant.
Genome position (GRCh38, 1-based): chr15:27,983,412, C deleted on the plus strand (G on the coding strand, the reverse complement: OCA2 is on the minus strand); the first of 2 consecutive C bases (chr15:27,983,412-27,983,413); deleting either gives the same sequence. VCF-style (leftmost placement, unchanged base first): chr15-27983411-TC-T. GRCh37 (hg19) VCF-style: chr15-28228557-TC-T.
Other names: c.1364del, p.Gly455fs (NM_001300984.2); short protein forms G455fs, G479fs.
Identifiers: ClinVar variation 5015814 (VCV005015814.1).

ClinVar aggregate classification (germline): Pathogenic (1 of 4 stars; one submission).

Conditions:
Tyrosinase-positive oculocutaneous albinism (OCA2). Also called: ALBINISM II; Oculocutaneous albinism type 2; Albinism, oculocutaneous, type II. Identifiers: Orphanet 79432, MedGen C0268495, MONDO:0008746, OMIM 203200.

Submission:

Myriad Genetics, Inc.
Classification: Pathogenic for Tyrosinase-positive oculocutaneous albinism. Last evaluated: 2026-04-21. Review status: criteria provided, single submitter. Criteria: Myriad Autosomal Dominant, Autosomal Recessive and X-Linked Classification Criteria (2023). Collection method: clinical testing. Allele origin: unknown.
Comment: NM_000275.2(OCA2):c.1436delG(G479Efs*20) is expected to be pathogenic in the context of oculocutaneous albinism, OCA2-related. This variant is predicted to lead to an abnormal or absent protein product due to the creation of a premature termination codon in OCA2, a gene where loss-of-function variants are known to be pathogenic. Please note: this variant was assessed in the context of healthy population screening.